The following is an entry in ClinVar:

NM_001164508.2(NEB):c.24271_24274dup (p.Lys8092fs)

Genes: NEB (nebulin; minus strand), RIF1 (replication timing regulatory factor 1; plus strand). Cytogenetic location: 2q23.3.
Variant type: Duplication.
Coding change: c.24271_24274dup on transcript NM_001164508.2 (MANE Select); coding-DNA positions 24271 to 24274, 4 bases duplicated (GTCA; older notation c.24271_24274dupGTCA).
Protein change: p.Lys8092fs; shifts the reading frame from lysine 8092.
Molecular consequence: frameshift variant. On other transcripts: intron variant (1).
Genome position (GRCh38, 1-based): chr2:151,497,652-151,497,655, TGAC duplicated on the plus strand (GTCA on the coding strand, the reverse complement: NEB is on the minus strand); duplicating any 4 consecutive bases within chr2:151,497,652-151,497,656 gives the same sequence; the c. name uses the placement nearest the transcript's 3' end. VCF-style (leftmost placement, unchanged base first): chr2-151497651-T-TTGAC. GRCh37 (hg19) VCF-style: chr2-152354165-T-TTGAC.
Other names: c.24271_24274dup, p.Lys8092fs (NM_001164507.2); c.24376_24379dup, p.Lys8127fs (NM_001271208.2); c.18826-1287_18826-1284dup (NM_004543.5); c.24376_24379dup (NM_001271208.1); short protein forms K8092fs, K8127fs.
Identifiers: ClinVar variation 1417880 (VCV001417880.7), dbSNP rs1559217202, ClinGen allele CA537029849.

ClinVar aggregate classification (germline): Pathogenic/Likely pathogenic. Review status: criteria provided, multiple submitters, no conflicts (2 of 4 stars). 2 submissions from 2 submitters: Pathogenic (1); Likely pathogenic (1). Last evaluated 2024-02-16.

Conditions:
Arthrogryposis multiplex congenita 6. Identifiers: MedGen C5543431, MONDO:0030281, OMIM 619334.
Nemaline myopathy 2 (NEM2). Also called: Nemaline myopathy 2, autosomal recessive. Identifiers: MedGen C1850569, MONDO:0009725, OMIM 256030.

Submissions (2):

Labcorp Genetics (formerly Invitae), Labcorp
Classification: Pathogenic for Nemaline myopathy 2. Last evaluated: 2024-02-16. Review status: criteria provided, single submitter. Criteria: Invitae Variant Classification Sherloc (09022015). Collection method: clinical testing. Allele origin: germline.
Comment: This sequence change creates a premature translational stop signal (p.Lys8127Serfs*9) in the NEB gene. It is expected to result in an absent or disrupted protein product. Loss-of-function variants in NEB are known to be pathogenic (PMID: 25205138). This variant is present in population databases (no rsID available, gnomAD 0.003%). This variant has not been reported in the literature in individuals affected with NEB-related conditions. ClinVar contains an entry for this variant (Variation ID: 1417880). Algorithms developed to predict the effect of sequence changes on RNA splicing suggest that this variant may disrupt the consensus splice site. For these reasons, this variant has been classified as Pathogenic.

Baylor Genetics
Classification: Likely pathogenic for Arthrogryposis multiplex congenita 6. Last evaluated: 2023-10-21. Review status: criteria provided, single submitter. Criteria: ACMG Guidelines, 2015. Collection method: clinical testing. Allele origin: unknown.

Literature cited by the submitters: PubMed 25205138 (cited by Labcorp Genetics (formerly Invitae), Labcorp).